The following is an entry in ClinVar:

NM_000440.3(PDE6A):c.*2525A>C

Gene: PDE6A (phosphodiesterase 6A; minus strand). Cytogenetic location: 5q32.
Variant type: single nucleotide variant.
Coding change: c.*2525A>C on transcript NM_000440.3 (MANE Select); 2525 bases downstream of the stop codon, A replaced by C.
Molecular consequence: 3 prime UTR variant.
Genome position (GRCh38, 1-based): chr5:149,858,370, T>G on the plus strand (A>C on the coding strand, the complement: PDE6A is on the minus strand). VCF-style: chr5-149858370-T-G. GRCh37 (hg19) VCF-style: chr5-149237933-T-G.
Identifiers: ClinVar variation 905159 (VCV000905159.4), dbSNP rs111440604, ClinGen allele CA129085481.

ClinVar aggregate classification (germline): Likely benign (1 of 4 stars; one submission).

Conditions:
Retinitis pigmentosa (RP). Identifiers: Orphanet 791, MedGen C0035334, MeSH D012174, MONDO:0019200, OMIM 268000. Inheritance: Autosomal dominant, autosomal recessive and X linked inheritance.

Allele frequency attached by ClinVar (database versions not stated): gnomAD 0.01114 and 0.01200; 1000 Genomes Project 30x 0.01249; 1000 Genomes Project 0.01278; TOPMed 0.01290.

Submission:

Illumina Laboratory Services, Illumina
Classification: Likely benign for Retinitis pigmentosa. Last evaluated: 2018-01-13. Review status: criteria provided, single submitter. Criteria: ICSL Variant Classification Criteria 13 December 2019. Collection method: clinical testing. Allele origin: germline.
Comment: This variant was observed in the ICSL laboratory as part of a predisposition screen in an ostensibly healthy population. It had not been previously curated by ICSL or reported in the Human Gene Mutation Database (HGMD: prior to June 1st, 2018), and was therefore a candidate for classification through an automated scoring system. Utilizing variant allele frequency, disease prevalence and penetrance estimates, and inheritance mode, an automated score was calculated to assess if this variant is too frequent to cause the disease. Based on the score and internal cut-off values, a variant classified as likely benign is not then subjected to further curation. The score for this variant resulted in a classification of likely benign for this disease.